The following is an entry in ClinVar:

ClinVar aggregate classification (germline): Uncertain significance (1 of 4 stars; one submission).

Allele frequency attached by ClinVar (database versions not stated): TOPMed below 0.00001; gnomAD 0.00001.
gnomAD v4.1: 5 of 1,611,802 alleles (0.00031%); highest among the groups gnomAD compares: Admixed American, 0.0033%; no homozygotes.

Submission:

Labcorp Genetics (formerly Invitae), Labcorp
Classification: Uncertain significance. Last evaluated: 2024-11-27. Review status: criteria provided, single submitter. Criteria: Invitae Variant Classification Sherloc (09022015). Collection method: clinical testing. Allele origin: germline.
Comment: This sequence change replaces glutamic acid, which is acidic and polar, with glutamine, which is neutral and polar, at codon 188 of the PRPF31 protein (p.Glu188Gln). This variant is not present in population databases (gnomAD no frequency). This variant has not been reported in the literature in individuals affected with PRPF31-related conditions. ClinVar contains an entry for this variant (Variation ID: 2793802). An algorithm developed to predict the effect of missense changes on protein structure and function (PolyPhen-2) suggests that this variant is likely to be tolerated. In summary, the available evidence is currently insufficient to determine the role of this variant in disease. Therefore, it has been classified as a Variant of Uncertain Significance.

NM_015629.4(PRPF31):c.562G>C (p.Glu188Gln)

Gene: PRPF31 (pre-mRNA processing factor 31; plus strand). Cytogenetic location: 19q13.42.
Variant type: single nucleotide variant.
Coding change: c.562G>C on transcript NM_015629.4 (MANE Select); coding-DNA position 562, G replaced by C.
Protein change: p.Glu188Gln; replaces glutamic acid 188 with glutamine.
Molecular consequence: missense variant.
Genome position (GRCh38, 1-based): chr19:54,123,783, G>C. VCF-style: chr19-54123783-G-C. GRCh37 (hg19) VCF-style: chr19-54627162-G-C.
Other names: short protein forms E188Q.
Identifiers: ClinVar variation 2793802 (VCV002793802.3), dbSNP rs527236094, ClinGen allele CA407750505.
Genomic context (GRCh38, chr19:54,123,783, plus strand): 5'-GAGGCTGGGCCCACCCGCCCCTGCAGGCAGCAGCTGTCGGAGGAGGAGCTGGAGCGGCTG[G>C]AGGAGGCCTGCGACATGGCGCTGGAGCTGAACGCCTCCAAGCACCGCATCTACGAGTATG-3'
Protein context (NP_056444.3, residues 178-198): QLSEEELERL[Glu188Gln]EACDMALELN